The following is an entry in ClinVar:

ClinVar aggregate classification (germline): Uncertain significance. Review status: criteria provided, multiple submitters, no conflicts (2 of 4 stars). 2 submissions from 2 submitters: Uncertain significance (2). Last evaluated 2025-12-09.

Allele frequency attached by ClinVar (database versions not stated): TOPMed 0.00001.
gnomAD v4.1: 4 of 1,612,234 alleles (0.00025%); highest among the groups gnomAD compares: Admixed American, 0.0067%; no homozygotes.

Submissions (2):

Ambry Genetics
Classification: Uncertain significance. Last evaluated: 2025-12-09. Review status: criteria provided, single submitter. Criteria: Ambry Variant Classification Scheme 2023. Collection method: clinical testing. Allele origin: germline.

Labcorp Genetics (formerly Invitae), Labcorp
Classification: Uncertain significance. Last evaluated: 2024-02-24. Review status: criteria provided, single submitter. Criteria: Invitae Variant Classification Sherloc (09022015). Collection method: clinical testing. Allele origin: germline.
Comment: This sequence change replaces aspartic acid, which is acidic and polar, with valine, which is neutral and non-polar, at codon 383 of the TMPRSS15 protein (p.Asp383Val). This variant is not present in population databases (gnomAD no frequency). This variant has not been reported in the literature in individuals affected with TMPRSS15-related conditions. ClinVar contains an entry for this variant (Variation ID: 2092166). An algorithm developed to predict the effect of missense changes on protein structure and function (PolyPhen-2) suggests that this variant is likely to be disruptive. In summary, the available evidence is currently insufficient to determine the role of this variant in disease. Therefore, it has been classified as a Variant of Uncertain Significance.

NM_002772.3(TMPRSS15):c.1148A>T (p.Asp383Val)

Gene: TMPRSS15 (transmembrane serine protease 15; minus strand). Cytogenetic location: 21q21.1.
Variant type: single nucleotide variant.
Coding change: c.1148A>T on transcript NM_002772.3 (MANE Select); coding-DNA position 1148, A replaced by T.
Protein change: p.Asp383Val; replaces aspartic acid 383 with valine.
Molecular consequence: missense variant.
Genome position (GRCh38, 1-based): chr21:18,352,926, T>A on the plus strand (A>T on the coding strand, the complement: TMPRSS15 is on the minus strand). VCF-style: chr21-18352926-T-A. GRCh37 (hg19) VCF-style: chr21-19725243-T-A.
Other names: c.1148A>T (NM_002772.2); short protein forms D383V.
Identifiers: ClinVar variation 2092166 (VCV002092166.5), dbSNP rs778491832, ClinGen allele CA409851257.